The following is an entry in ClinVar:

ClinVar aggregate classification (germline): Uncertain significance. Review status: criteria provided, single submitter (1 of 4 stars). 2 submissions from 2 submitters: Uncertain significance (1). 1 of the submissions does not count toward it. Last evaluated 2023-03-28.

Conditions:
Hereditary cancer-predisposing syndrome. Also called: Tumor predisposition; Hereditary Cancer Syndrome; Neoplastic Syndromes, Hereditary; Hereditary neoplastic syndrome. Identifiers: Orphanet 140162, MedGen C0027672, MeSH D009386, MONDO:0015356.
Breast-ovarian cancer, familial, susceptibility to, 2 (BROVCA2). Also called: BRCA2 Hereditary Breast and Ovarian Cancer. Identifiers: Orphanet 145, MedGen C2675520, MONDO:0012933, OMIM 612555. Disease mechanism: loss of function.

Submissions (2):

Ambry Genetics
Classification: Uncertain significance for Hereditary cancer-predisposing syndrome. Last evaluated: 2023-03-28. Review status: criteria provided, single submitter. Criteria: Ambry Variant Classification Scheme 2023. Collection method: clinical testing. Allele origin: germline.
Comment: The p.S925C variant (also known as c.2774C>G), located in coding exon 10 of the BRCA2 gene, results from a C to G substitution at nucleotide position 2774. The serine at codon 925 is replaced by cysteine, an amino acid with dissimilar properties. This amino acid position is not well conserved in available vertebrate species. In addition, the in silico prediction for this alteration is inconclusive. Since supporting evidence is limited at this time, the clinical significance of this alteration remains unclear.

Sharing Clinical Reports Project (SCRP)
Classification: Uncertain significance for Breast-ovarian cancer, familial 2. Last evaluated: 2011-02-03. Review status: no assertion criteria provided. Collection method: clinical testing. Allele origin: germline. Not counted in ClinVar's aggregate classification.

NM_000059.4(BRCA2):c.2774C>G (p.Ser925Cys)

Gene: BRCA2 (BRCA2 DNA repair associated; plus strand). Cytogenetic location: 13q13.1.
Variant type: single nucleotide variant.
Coding change: c.2774C>G on transcript NM_000059.4 (MANE Select); coding-DNA position 2774, C replaced by G.
Protein change: p.Ser925Cys; replaces serine 925 with cysteine.
Molecular consequence: missense variant. On other transcripts: intron variant (2), non-coding transcript variant (1).
Genome position (GRCh38, 1-based): chr13:32,337,129, C>G. VCF-style: chr13-32337129-C-G. GRCh37 (hg19) VCF-style: chr13-32911266-C-G.
Other names: S925C; 3002C>G; c.1909+3742C>G (NM_001406721.1); c.424+6099C>G (NM_001406722.1); c.2774C>G, p.Ser925Cys (NM_001406719.1, NM_001406720.1).
Identifiers: ClinVar variation 252824 (VCV000252824.4), dbSNP rs879255446, ClinGen allele CA10586062.